The following is an entry in ClinVar:

ClinVar aggregate classification (germline): Conflicting classifications of pathogenicity. Review status: criteria provided, conflicting classifications (1 of 4 stars). 5 submissions from 5 submitters: Uncertain significance (4); Likely benign (1). Last evaluated 2026-06-30.

Conditions:
TTN-related disorder. Also called: TTN-related disorders; TTN-related condition; TTN-related disease.
Autosomal recessive limb-girdle muscular dystrophy type 2J (LGMDR10). Also called: Limb-girdle muscular dystrophy, type 2J; MUSCULAR DYSTROPHY, LIMB-GIRDLE, AUTOSOMAL RECESSIVE 10. Identifiers: Orphanet 140922, MedGen C1837342, MONDO:0012127, OMIM 608807.
Dilated cardiomyopathy 1G (CMD1G). Identifiers: Orphanet 154, MedGen C1858763, MONDO:0011400, OMIM 604145.
Cardiovascular phenotype. Identifiers: MedGen CN230736.

Allele frequency attached by ClinVar (database versions not stated): gnomAD exomes 0.00003 and 0.00006; ExAC 0.00008; 1000 Genomes Project 30x 0.00016; ESP Exome Variant Server 0.00016; 1000 Genomes Project 0.00020; gnomAD 0.00031 and 0.00034; TOPMed 0.00037.
gnomAD v4.1: 96 of 1,613,628 alleles (0.0059%); highest among the groups gnomAD compares: African/African-American, 0.096%; no homozygotes.

Submissions (5):

PreventionGenetics, part of Exact Sciences
Classification: Uncertain significance for TTN-related condition. Last evaluated: 2026-06-30. Review status: criteria provided, single submitter. Criteria: ACMG Guidelines, 2015. Collection method: clinical testing. Allele origin: germline.
Comment: The TTN c.82684T>C variant is predicted to result in the amino acid substitution p.Tyr27562His. To our knowledge, this variant has not been reported in the literature. This variant is reported in 0.091% of alleles in individuals of African descent in gnomAD. Although we suspect that this variant may be benign, at this time, the clinical significance of this variant is uncertain due to the absence of conclusive functional and genetic evidence.

Revvity Omics, Revvity
Classification: Uncertain significance. Last evaluated: 2025-04-04. Review status: criteria provided, single submitter. Criteria: ACMG Guidelines, 2015. Collection method: clinical testing. Allele origin: germline.

GeneDx
Classification: Likely benign. Last evaluated: 2021-05-26. Review status: criteria provided, single submitter. Criteria: GeneDx Variant Classification Process June 2021. Collection method: clinical testing. Allele origin: germline. Affected: yes.

Ambry Genetics
Classification: Uncertain significance for Cardiovascular phenotype. Last evaluated: 2018-11-15. Review status: criteria provided, single submitter. Criteria: Ambry Variant Classification Scheme 2023. Collection method: clinical testing. Allele origin: germline.
Comment: The p.Y18497H variant (also known as c.55489T>C), located in coding exon 153 of the TTN gene, results from a T to C substitution at nucleotide position 55489. The tyrosine at codon 18497 is replaced by histidine, an amino acid with some similar properties. This amino acid position is well conserved in available vertebrate species. In addition, this alteration is predicted to be tolerated by in silico analysis. Since supporting evidence is limited at this time, the clinical significance of this variant remains unclear.

Labcorp Genetics (formerly Invitae), Labcorp
Classification: Uncertain significance for Dilated cardiomyopathy 1G; Autosomal recessive limb-girdle muscular dystrophy type 2J. Last evaluated: 2016-06-25. Review status: criteria provided, single submitter. Criteria: Invitae Variant Classification Sherloc (09022015). Collection method: clinical testing. Allele origin: germline.

NM_001267550.2(TTN):c.82684T>C (p.Tyr27562His)

Genes: TTN (titin; minus strand), TTN-AS1 (TTN antisense RNA 1; plus strand). Cytogenetic location: 2q31.2.
Variant type: single nucleotide variant.
Coding change: c.82684T>C on transcript NM_001267550.2 (MANE Select); coding-DNA position 82684, T replaced by C.
Protein change: p.Tyr27562His; replaces tyrosine 27562 with histidine.
Molecular consequence: missense variant.
Genome position (GRCh38, 1-based): chr2:178,563,448, A>G on the plus strand (T>C on the coding strand, the complement: TTN is on the minus strand). VCF-style: chr2-178563448-A-G. GRCh37 (hg19) VCF-style: chr2-179428175-A-G.
Other names: c.77761T>C, p.Tyr25921His (NM_001256850.1); c.55489T>C, p.Tyr18497His (NM_003319.4); c.74980T>C, p.Tyr24994His (NM_133378.4); c.55864T>C, p.Tyr18622His (NM_133432.3); c.56065T>C, p.Tyr18689His (NM_133437.4); short protein forms Y27562H, Y25921H, Y18497H, Y18689H, Y24994H, Y18622H.
Identifiers: ClinVar variation 404795 (VCV000404795.13), dbSNP rs376616067, ClinGen allele CA1989029.